The following is an entry in ClinVar:

ClinVar aggregate classification (germline): Likely benign. Review status: criteria provided, single submitter (1 of 4 stars). 2 submissions from 2 submitters: Likely benign (1). 1 of the submissions does not count toward it. Last evaluated 2018-12-04.

Conditions:
LAMB1-related disorder. Also called: LAMB1-related condition.

Allele frequency attached by ClinVar (database versions not stated): gnomAD below 0.00001 and 0.00001; TOPMed 0.00001; gnomAD exomes 0.00006 and 0.00015; ExAC 0.00015; 1000 Genomes Project 30x 0.00016; 1000 Genomes Project 0.00020.
gnomAD v4.1: 92 of 1,613,966 alleles (0.0057%); highest among the groups gnomAD compares: South Asian, 0.096%; no homozygotes.

Submissions (2):

Labcorp Genetics (formerly Invitae), Labcorp
Classification: Likely benign. Last evaluated: 2018-12-04. Review status: criteria provided, single submitter. Criteria: Invitae Variant Classification Sherloc (09022015). Collection method: clinical testing. Allele origin: germline.

PreventionGenetics, part of Exact Sciences
Classification: Likely benign for LAMB1-related condition. Last evaluated: 2020-11-19. Review status: no assertion criteria provided. Collection method: clinical testing. Allele origin: germline. Not counted in ClinVar's aggregate classification.
Comment: This variant is classified as likely benign based on ACMG/AMP sequence variant interpretation guidelines (Richards et al. 2015 PMID: 25741868, with internal and published modifications).

NM_002291.3(LAMB1):c.2292C>T (p.Ala764=)

Gene: LAMB1 (laminin subunit beta 1; minus strand). Cytogenetic location: 7q31.1.
Variant type: single nucleotide variant.
Coding change: c.2292C>T on transcript NM_002291.3 (MANE Select); coding-DNA position 2292, C replaced by T.
Protein change: p.Ala764=; no amino-acid change (alanine 764 retained).
Molecular consequence: synonymous variant.
Genome position (GRCh38, 1-based): chr7:107,960,467, G>A on the plus strand (C>T on the coding strand, the complement: LAMB1 is on the minus strand). VCF-style: chr7-107960467-G-A. GRCh37 (hg19) VCF-style: chr7-107600912-G-A.
Identifiers: ClinVar variation 795973 (VCV000795973.5), dbSNP rs569882591, ClinGen allele CA4435699.
Genomic context (GRCh38, chr7:107,960,467, plus strand): 5'-AGAAACAGCAGCTGCTGCAGCTGCCCAGCAATACCTACCCAGGCCTGTCTGGTGTAACAG[G>A]GCAGAAATGCTAAAGATGATGTTTCTGCAAACATCTGTCATCGGTGTTTTCACAACGCTT-3'
Protein context (NP_002282.2, residues 754-774): VCRNIIFSIS[Ala764=]LLHQTGLACE